The following continues an entry in ClinVar:

NM_000138.5(FBN1):c.3463G>A (p.Asp1155Asn)

Gene: FBN1. ClinVar aggregate classification (germline): Pathogenic/Likely pathogenic. Pathogenic (10); Likely pathogenic (2).

Submissions 7 to 12 of 12:

All of Us Research Program, National Institutes of Health
Classification: Likely pathogenic for Marfan syndrome. Last evaluated: 2023-07-19. Review status: criteria provided, single submitter. Criteria: ACMG Guidelines, 2015. Collection method: clinical testing. Allele origin: germline. Inheritance: Autosomal dominant inheritance. Observed: 1 variant allele, 1 heterozygote.
Comment: This missense variant replaces aspartic acid with asparagine at codon 1155 in the EGF-like calcium-binding domain of the FBN1 protein. Computational prediction suggests that this variant may have deleterious impact on protein structure and function (internally defined REVEL score threshold >= 0.7, PMID: 27666373). A functional study has shown that cells expressing the mutant protein deposit a decreased amount of fibrillin protein into deposit extracellular matrix compared to control cells (PMID: 8941093). In addition, this variant alters the conserved, last c.G nucleotide of exon 28 and is predicted to affect RNA splicing. RNA studies have produced conflicting results. While one RT-PCR study of patient fibroblasts did not show RNA splicing defect (PMID: 8941093), another study has revealed a 111 bp-insertion in the FBN1 transcript due to the retention of intronic sequence, resulting in the introduction of a premature protein truncation codon (PMID: 9452033). The mutant transcript with the intronic sequence retention represented 22% of total FBN1 mRNA. This variant has been reported in four individuals affected with Marfan syndrome (PMID: 9452033, 14695540, 19293843, 32679894), one individual affected individual with thoracic aortic aneurysm (PMID: 8941093) and two individuals affected with ectopia lentis (PMID: 17657824, 20564469). This variant has been identified in 1/31402 chromosomes in the general population by the Genome Aggregation Database (gnomAD). Based on the available evidence, this variant is classified as Likely Pathogenic.

This study involves interpretation of variants in research participants for the purpose of population health screening. Participant phenotype was not available at the time of variant classification. Additional details can be found in publication PMID: 35346344, PMCID: PMC8962531

Baylor Genetics
Classification: Pathogenic for Marfan syndrome. Last evaluated: 2023-05-18. Review status: criteria provided, single submitter. Criteria: ACMG Guidelines, 2015. Collection method: clinical testing. Allele origin: unknown.

Women's Health and Genetics/Laboratory Corporation of America, LabCorp
Classification: Pathogenic for Marfan Syndrome/Loeys-Dietz Syndrome/Familial Thoracic Aortic Aneurysms and Dissections. Last evaluated: 2022-08-22. Review status: criteria provided, single submitter. Criteria: LabCorp Variant Classification Summary - May 2015. Collection method: clinical testing. Allele origin: germline.
Comment: Variant summary: FBN1 c.3463G>A (p.Asp1155Asn) results in a conservative amino acid change located in the EGF-like calcium-binding domain of the encoded protein sequence. Four of five in-silico tools predict a damaging effect of the variant on protein function. The variant also alters a conserved nucleotide located at the end of the exon 28 adjacent to the canonical splice donor site. Several computational tools predict a significant impact on normal splicing: One predict the variant abolishes the canonical 5' splicing donor site. Three predict the variant weakens the canonical 5' splice donor site. However, these predictions have yet to be confirmed by functional studies. The variant was absent in 251704 control chromosomes. c.3463G>A has been reported in the literature in individuals affected with features of Marfan Syndrome (example, Milewicz_1996, Hilhorst-Hofstee_2010, Biggin_2004, Stheneur_2009, Start_2020). These data indicate that the variant is likely to be associated with disease. At least one publication reports experimental evidence evaluating an impact on protein function. The most pronounced variant effect results in decreased incorporation of fibrillin-1 into the pericellular matrix. Four clinical diagnostic laboratories have submitted clinical-significance assessments for this variant to ClinVar after 2014 without evidence for independent evaluation. All laboratories classified the variant as pathogenic. Some submitters cite overlapping evidence utilized in the context of this evaluation. Based on the evidence outlined above, the variant was classified as pathogenic.

Baylor Genetics
Classification: Pathogenic for Stiff skin syndrome. Last evaluated: 2022-07-22. Review status: criteria provided, single submitter. Criteria: ACMG Guidelines, 2015. Collection method: clinical testing. Allele origin: unknown.

CeGaT Center for Human Genetics Tuebingen
Classification: Pathogenic. Last evaluated: 2021-09-01. Review status: criteria provided, single submitter. Criteria: CeGaT Center For Human Genetics Tuebingen Variant Classification Criteria Version 2. Collection method: clinical testing. Allele origin: germline. Affected: yes. Observed: 1 variant allele.

CHEO Genetics Diagnostic Laboratory, Children's Hospital of Eastern Ontario
Classification: Likely pathogenic for Familial thoracic aortic aneurysm and aortic dissection. Last evaluated: 2021-08-05. Review status: criteria provided, single submitter. Criteria: ACMG Guidelines, 2015. Collection method: clinical testing. Allele origin: germline.

Literature cited by the submitters: PubMed 8941093 (cited by 4 submitters); PubMed 14695540 (cited by 4 submitters); PubMed 19002209 (cited by Labcorp Genetics (formerly Invitae), Labcorp and Ambry Genetics); PubMed 19293843 (cited by 3 submitters); PubMed 20564469 (cited by 4 submitters); PubMed 20886638 (cited by 3 submitters); PubMed 17576681 (cited by Labcorp Genetics (formerly Invitae), Labcorp); PubMed 9536098 (cited by Labcorp Genetics (formerly Invitae), Labcorp); PubMed 20301510 (cited by Victorian Clinical Genetics Services, Murdoch Childrens Research Institute); PubMed 27274304 (cited by Victorian Clinical Genetics Services, Murdoch Childrens Research Institute); PubMed 29357934 (cited by Victorian Clinical Genetics Services, Murdoch Childrens Research Institute); PubMed 31950671 (cited by Victorian Clinical Genetics Services, Murdoch Childrens Research Institute); PubMed 9452033 (cited by All of Us Research Program, National Institutes of Health and Women's Health and Genetics/Laboratory Corporation of America, LabCorp); PubMed 17657824 (cited by All of Us Research Program, National Institutes of Health and Women's Health and Genetics/Laboratory Corporation of America, LabCorp); PubMed 32679894 (cited by All of Us Research Program, National Institutes of Health and Women's Health and Genetics/Laboratory Corporation of America, LabCorp).